The following is an entry in ClinVar:

ClinVar aggregate classification (germline): Likely benign (1 of 4 stars; one submission).

Allele frequency attached by ClinVar (database versions not stated): gnomAD exomes below 0.00001; TOPMed below 0.00001; ExAC 0.00001; gnomAD 0.00001; ESP Exome Variant Server 0.00008.

Submission:

CeGaT Center for Human Genetics Tuebingen
Classification: Likely benign. Last evaluated: 2022-03-01. Review status: criteria provided, single submitter. Criteria: CeGaT Center For Human Genetics Tuebingen Variant Classification Criteria Version 2. Collection method: clinical testing. Allele origin: germline. Affected: yes. Observed: 1 variant allele.
Comment: PHPT1: BP4, BP7

NM_014172.6(PHPT1):c.195G>A (p.Gln65=)

Gene: PHPT1 (phosphohistidine phosphatase 1; plus strand). Cytogenetic location: 9q34.3.
Variant type: single nucleotide variant.
Coding change: c.195G>A on transcript NM_014172.6 (MANE Select); coding-DNA position 195, G replaced by A.
Protein change: p.Gln65=; no amino-acid change (glutamine 65 retained).
Molecular consequence: synonymous variant. On other transcripts: non-coding transcript variant (2).
Genome position (GRCh38, 1-based): chr9:136,850,047, G>A. VCF-style: chr9-136850047-G-A. GRCh37 (hg19) VCF-style: chr9-139744499-G-A.
Other names: c.195G>A, p.Gln65= (NM_001135861.3, NM_001287343.2); c.201G>A, p.Gln67= (NM_001287342.2).
Identifiers: ClinVar variation 2659755 (VCV002659755.24), dbSNP rs146126836, ClinGen allele CA5347472.